The following is an entry in ClinVar:

ClinVar aggregate classification (germline): Uncertain significance. Review status: criteria provided, multiple submitters, no conflicts (2 of 4 stars). 2 submissions from 2 submitters: Uncertain significance (2). Last evaluated 2025-10-21.

Allele frequency attached by ClinVar (database versions not stated): gnomAD 0.00005; TOPMed 0.00005; gnomAD exomes 0.00007; ExAC 0.00008; 1000 Genomes Project 30x 0.00016; 1000 Genomes Project 0.00020.

Submissions (2):

Labcorp Genetics (formerly Invitae), Labcorp
Classification: Uncertain significance. Last evaluated: 2025-10-21. Review status: criteria provided, single submitter. Criteria: Invitae Variant Classification Sherloc (09022015). Collection method: clinical testing. Allele origin: germline.
Comment: This sequence change replaces threonine, which is neutral and polar, with methionine, which is neutral and non-polar, at codon 384 of the PRPF6 protein (p.Thr384Met). This variant is present in population databases (rs202144488, gnomAD 0.01%). This variant has not been reported in the literature in individuals affected with PRPF6-related conditions. ClinVar contains an entry for this variant (Variation ID: 1476827). Invitae Evidence Modeling of protein sequence and biophysical properties (such as structural, functional, and spatial information, amino acid conservation, physicochemical variation, residue mobility, and thermodynamic stability) indicates that this missense variant is not expected to disrupt PRPF6 protein function with a negative predictive value of 80%. In summary, the available evidence is currently insufficient to determine the role of this variant in disease. Therefore, it has been classified as a Variant of Uncertain Significance.

Ambry Genetics
Classification: Uncertain significance. Last evaluated: 2025-04-07. Review status: criteria provided, single submitter. Criteria: Ambry Variant Classification Scheme 2023. Collection method: clinical testing. Allele origin: germline.

NM_012469.4(PRPF6):c.1151C>T (p.Thr384Met)

Gene: PRPF6 (pre-mRNA processing factor 6; plus strand). Cytogenetic location: 20q13.33.
Variant type: single nucleotide variant.
Coding change: c.1151C>T on transcript NM_012469.4 (MANE Select); coding-DNA position 1151, C replaced by T.
Protein change: p.Thr384Met; replaces threonine 384 with methionine.
Molecular consequence: missense variant.
Genome position (GRCh38, 1-based): chr20:64,001,204, C>T. VCF-style: chr20-64001204-C-T. GRCh37 (hg19) VCF-style: chr20-62632557-C-T.
Other names: c.1151C>T (NM_012469.3); short protein forms T384M.
Identifiers: ClinVar variation 1476827 (VCV001476827.7), dbSNP rs202144488, ClinGen allele CA9972097.